The following is an entry in ClinVar:

ClinVar aggregate classification (germline): Pathogenic (1 of 4 stars; one submission).

Conditions:
Cohen syndrome (COH1). Also called: Cutis verticis gyrata, retinitis pigmentosa, and sensorineural deafness; PEPPER SYNDROME. Identifiers: Orphanet 193, MedGen C0265223, MONDO:0008999, OMIM 216550.

Allele frequency attached by ClinVar (database versions not stated): gnomAD exomes below 0.00001.
gnomAD v4.1: 1 of 1,613,346 alleles (0.000062%); highest among the groups gnomAD compares: East Asian, 0.0022%; no homozygotes.

Submission:

Labcorp Genetics (formerly Invitae), Labcorp
Classification: Pathogenic for Cohen syndrome. Last evaluated: 2023-06-14. Review status: criteria provided, single submitter. Criteria: Invitae Variant Classification Sherloc (09022015). Collection method: clinical testing. Allele origin: germline.
Comment: This sequence change creates a premature translational stop signal (p.Gln2032*) in the VPS13B gene. It is expected to result in an absent or disrupted protein product. Loss-of-function variants in VPS13B are known to be pathogenic (PMID: 15141358, 16648375, 20461111). This variant is not present in population databases (gnomAD no frequency). This variant has not been reported in the literature in individuals affected with VPS13B-related conditions. For these reasons, this variant has been classified as Pathogenic.

Literature cited by the submitters: PubMed 15141358; PubMed 16648375; PubMed 20461111.

NM_152564.5(VPS13B):c.6019C>T (p.Gln2007Ter)

Gene: VPS13B (vacuolar protein sorting 13 homolog B; plus strand). Cytogenetic location: 8q22.2.
Variant type: single nucleotide variant.
Coding change: c.6019C>T on transcript NM_152564.5 (MANE Select); coding-DNA position 6019, C replaced by T.
Protein change: p.Gln2007Ter; replaces glutamine 2007 with a stop codon.
Molecular consequence: nonsense.
Genome position (GRCh38, 1-based): chr8:99,661,464, C>T. VCF-style: chr8-99661464-C-T. GRCh37 (hg19) VCF-style: chr8-100673692-C-T.
Other names: c.6094C>T, p.Gln2032Ter (NM_017890.5); short protein forms Q2032*, Q2007*.
Identifiers: ClinVar variation 2714692 (VCV002714692.3), dbSNP rs755870553, ClinGen allele CA371869103.